The following is an entry in ClinVar:

NM_000404.4(GLB1):c.1349dup (p.Gln452fs)

Gene: GLB1 (galactosidase beta 1; minus strand). Cytogenetic location: 3p22.3.
Variant type: Duplication.
Coding change: c.1349dup on transcript NM_000404.4 (MANE Select); coding-DNA position 1349, one base duplicated (T; older notation c.1349dupT).
Protein change: p.Gln452fs; shifts the reading frame from glutamine 452.
Molecular consequence: frameshift variant.
Genome position (GRCh38, 1-based): chr3:33,016,839, A duplicated on the plus strand (T on the coding strand, the reverse complement: GLB1 is on the minus strand). VCF-style (leftmost placement, unchanged base first): chr3-33016838-G-GA. GRCh37 (hg19) VCF-style: chr3-33058330-G-GA.
Other names: c.1259dup, p.Gln422fs (NM_001079811.3); c.956dup, p.Gln321fs (NM_001135602.3); c.1493dup, p.Gln500fs (NM_001317040.2); c.1349dup, p.Gln452fs (NM_001393580.1); short protein forms Q321fs, Q422fs, Q452fs, Q500fs.
Identifiers: ClinVar variation 5015727 (VCV005015727.1).

ClinVar aggregate classification (germline): Pathogenic (1 of 4 stars; one submission).

Conditions:
GLB1-related disorder. Also called: GLB1-related disorders. Identifiers: MedGen CN377807.

Submission:

Myriad Genetics, Inc.
Classification: Pathogenic for GLB1-related disorder. Last evaluated: 2026-03-25. Review status: criteria provided, single submitter. Criteria: Myriad Autosomal Dominant, Autosomal Recessive and X-Linked Classification Criteria (2023). Collection method: clinical testing. Allele origin: unknown.
Comment: NM_000404.2(GLB1):c.1349dupT(Q452Pfs*5) is expected to be pathogenic in the context of GLB1-related disorders. This variant is predicted to lead to an abnormal or absent protein product due to the creation of a premature termination codon in GLB1, a gene where loss-of-function variants are known to be pathogenic. Please note: this variant was assessed in the context of healthy population screening.